The following is an entry in ClinVar:

ClinVar aggregate classification (germline): Uncertain significance (1 of 4 stars; one submission).

gnomAD v4.1: 3 of 1,614,000 alleles (0.00019%); highest among the groups gnomAD compares: Non-Finnish European, 0.00017%; no homozygotes.

Submission:

Labcorp Genetics (formerly Invitae), Labcorp
Classification: Uncertain significance. Last evaluated: 2025-08-21. Review status: criteria provided, single submitter. Criteria: Invitae Variant Classification Sherloc (09022015). Collection method: clinical testing. Allele origin: germline.
Comment: This sequence change replaces histidine, which is basic and polar, with arginine, which is basic and polar, at codon 594 of the ADCY1 protein (p.His594Arg). This variant is present in population databases (rs780863849, gnomAD 0.002%). This variant has not been reported in the literature in individuals affected with ADCY1-related conditions. Invitae Evidence Modeling of protein sequence and biophysical properties (such as structural, functional, and spatial information, amino acid conservation, physicochemical variation, residue mobility, and thermodynamic stability) indicates that this missense variant is not expected to disrupt ADCY1 protein function with a negative predictive value of 80%. In summary, the available evidence is currently insufficient to determine the role of this variant in disease. Therefore, it has been classified as a Variant of Uncertain Significance.

NM_021116.4(ADCY1):c.1781A>G (p.His594Arg)

Gene: ADCY1 (adenylate cyclase 1; plus strand). Cytogenetic location: 7p12.3.
Variant type: single nucleotide variant.
Coding change: c.1781A>G on transcript NM_021116.4 (MANE Select); coding-DNA position 1781, A replaced by G.
Protein change: p.His594Arg; replaces histidine 594 with arginine.
Molecular consequence: missense variant.
Genome position (GRCh38, 1-based): chr7:45,678,044, A>G. VCF-style: chr7-45678044-A-G. GRCh37 (hg19) VCF-style: chr7-45717643-A-G.
Other names: short protein forms H594R.
Identifiers: ClinVar variation 4745502 (VCV004745502.1).